The following is an entry in ClinVar:

ClinVar aggregate classification (germline): Likely benign. Review status: criteria provided, multiple submitters, no conflicts (2 of 4 stars). 3 submissions from 3 submitters: Likely benign (3). Last evaluated 2025-11-11.

Conditions:
Usher syndrome type 3B. Also called: USHER SYNDROME, TYPE IIIB. Identifiers: MedGen C3281066, MONDO:0013788, OMIM 614504.
HARS1-related disorder. Also called: HARS1-related condition.

Allele frequency attached by ClinVar (database versions not stated): gnomAD exomes 0.00005; ExAC 0.00008; ESP Exome Variant Server 0.00015; 1000 Genomes Project 30x 0.00016; 1000 Genomes Project 0.00020; TOPMed 0.00020; gnomAD 0.00022 and 0.00025.
gnomAD v4.1: 54 of 1,614,122 alleles (0.0033%); highest among the groups gnomAD compares: African/African-American, 0.071%; no homozygotes.

Submissions (3):

Labcorp Genetics (formerly Invitae), Labcorp
Classification: Likely benign for Usher syndrome type 3B. Last evaluated: 2025-11-11. Review status: criteria provided, single submitter. Criteria: Invitae Variant Classification Sherloc (09022015). Collection method: clinical testing. Allele origin: germline.

PreventionGenetics, part of Exact Sciences
Classification: Likely benign for HARS1-related condition. Last evaluated: 2025-07-03. Review status: criteria provided, single submitter. Criteria: ACMG Guidelines, 2015. Collection method: clinical testing. Allele origin: germline.
Comment: This variant is classified as likely benign based on ACMG/AMP sequence variant interpretation guidelines (Richards et al. 2015 PMID: 25741868, with internal and published modifications).

Blueprint Genetics
Classification: Likely benign. Last evaluated: 2018-04-27. Review status: criteria provided, single submitter. Criteria: ACMG Guidelines, 2015. Collection method: clinical testing. Allele origin: germline.

NM_002109.6(HARS1):c.852C>T (p.Leu284=)

Gene: HARS1 (histidyl-tRNA synthetase 1; minus strand). Cytogenetic location: 5q31.3.
Variant type: single nucleotide variant.
Coding change: c.852C>T on transcript NM_002109.6 (MANE Select); coding-DNA position 852, C replaced by T.
Protein change: p.Leu284=; no amino-acid change (leucine 284 retained).
Molecular consequence: synonymous variant.
Genome position (GRCh38, 1-based): chr5:140,677,088, G>A on the plus strand (C>T on the coding strand, the complement: HARS1 is on the minus strand). VCF-style: chr5-140677088-G-A. GRCh37 (hg19) VCF-style: chr5-140056673-G-A.
Other names: c.852C>T (NM_002109.5); c.732C>T, p.Leu244= (NM_001258040.3); c.792C>T, p.Leu264= (NM_001258041.3); c.672C>T, p.Leu224= (NM_001258042.3); c.630C>T, p.Leu210= (NM_001289092.2); c.510C>T, p.Leu170= (NM_001289093.2); c.765C>T, p.Leu255= (NM_001289094.2).
Identifiers: ClinVar variation 1097673 (VCV001097673.11), dbSNP rs202034204, ClinGen allele CA3443967.